The following is an entry in ClinVar:

ClinVar aggregate classification (germline): Uncertain significance. Review status: criteria provided, multiple submitters, no conflicts (2 of 4 stars). 4 submissions from 4 submitters: Uncertain significance (4). Last evaluated 2024-03-25.

Conditions:
Inborn genetic diseases. Identifiers: MedGen C0950123, MeSH D030342.
Pseudohypoaldosteronism type 2B (PHA2B). Also called: Pseudohypoaldosteronism Type IIB. Identifiers: Orphanet 757, Orphanet 88939, MedGen C1840390, MONDO:0013777, OMIM 614491.

Allele frequency attached by ClinVar (database versions not stated): gnomAD exomes below 0.00001; ExAC 0.00001; gnomAD 0.00001 and 0.00002; TOPMed 0.00001; 1000 Genomes Project 0.00020; 1000 Genomes Project 30x 0.00031.

Submissions (4):

Ambry Genetics
Classification: Uncertain significance for Inborn genetic diseases. Last evaluated: 2024-03-25. Review status: criteria provided, single submitter. Criteria: Ambry Variant Classification Scheme 2023. Collection method: clinical testing. Allele origin: germline.

Labcorp Genetics (formerly Invitae), Labcorp
Classification: Uncertain significance. Last evaluated: 2022-09-28. Review status: criteria provided, single submitter. Criteria: Invitae Variant Classification Sherloc (09022015). Collection method: clinical testing. Allele origin: germline.
Comment: In summary, the available evidence is currently insufficient to determine the role of this variant in disease. Therefore, it has been classified as a Variant of Uncertain Significance. Advanced modeling of protein sequence and biophysical properties (such as structural, functional, and spatial information, amino acid conservation, physicochemical variation, residue mobility, and thermodynamic stability) performed at Invitae indicates that this missense variant is not expected to disrupt WNK4 protein function. ClinVar contains an entry for this variant (Variation ID: 323309). This variant has not been reported in the literature in individuals affected with WNK4-related conditions. The frequency data for this variant in the population databases is considered unreliable, as metrics indicate poor data quality at this position in the gnomAD database. This sequence change replaces proline, which is neutral and non-polar, with leucine, which is neutral and non-polar, at codon 5 of the WNK4 protein (p.Pro5Leu).

Fulgent Genetics
Classification: Uncertain significance for Pseudohypoaldosteronism type 2B. Last evaluated: 2021-10-11. Review status: criteria provided, single submitter. Criteria: ACMG Guidelines, 2015. Collection method: clinical testing. Allele origin: unknown.

Illumina Laboratory Services, Illumina
Classification: Uncertain significance for Pseudohypoaldosteronism type 2B. Last evaluated: 2018-01-12. Review status: criteria provided, single submitter. Criteria: ICSL Variant Classification Criteria 13 December 2019. Collection method: clinical testing. Allele origin: germline.

NM_032387.5(WNK4):c.14C>T (p.Pro5Leu)

Gene: WNK4 (WNK lysine deficient protein kinase 4; plus strand). Cytogenetic location: 17q21.2.
Variant type: single nucleotide variant.
Coding change: c.14C>T on transcript NM_032387.5 (MANE Select); coding-DNA position 14, C replaced by T.
Protein change: p.Pro5Leu; replaces proline 5 with leucine.
Molecular consequence: missense variant. On other transcripts: 5 prime UTR variant (1).
Genome position (GRCh38, 1-based): chr17:42,780,712, C>T. VCF-style: chr17-42780712-C-T. GRCh37 (hg19) VCF-style: chr17-40932730-C-T.
Other names: c.-906C>T (NM_001321299.2); short protein forms P5L.
Identifiers: ClinVar variation 323309 (VCV000323309.11), dbSNP rs577125376, ClinGen allele CA8583587.